The following is an entry in ClinVar:

ClinVar aggregate classification (germline): Likely pathogenic (1 of 4 stars; one submission).

Conditions:
Breast-ovarian cancer, familial, susceptibility to, 1 (BROVCA1). Also called: OVARIAN CANCER, SUSCEPTIBILITY TO; BRCA1 Hereditary Breast and Ovarian Cancer. Identifiers: Orphanet 145, MedGen C2676676, MONDO:0011450, OMIM 604370. Disease mechanism: loss of function.

Submission:

Department of Laboratory Medicine, The Third Affiliated Hospital of Zhengzhou University
Classification: Likely pathogenic for Breast-ovarian cancer, familial, susceptibility to, 1. Last evaluated: 2026-09-24. Review status: criteria provided, single submitter. Criteria: ClinGen BRCA1 and BRCA2 Guidelines, 2024. Collection method: clinical testing. Allele origin: germline. Inheritance: Autosomal dominant inheritance. Affected: yes. Observed: 1 variant allele, 1 heterozygote.
Comment: PVS1 (ENIGMA BRCA1/2 VCEP exon-specific table: deletion of exon 19 (legacy 20) removes BRCT residues 1732-1759 although in frame). PM2_Supporting not applied (single-exon event; gnomAD CNV data uninformative). Deletions of this exon with other breakpoints are reported as pathogenic (ClinVar VCV000183181, VCV000983561). Breakpoints not mapped. Classified with the ClinGen ENIGMA BRCA1/BRCA2 VCEP specifications v1.2 (2025). BRCA1 exon numbering per NM_007294.4 (MANE Select); legacy exon numbers in parentheses.

GRCh38/hg38 17q21.31(chr17:43057052-43057135)x1

Gene: BRCA1 (BRCA1 DNA repair associated; minus strand). Cytogenetic location: 17q21.31.
Variant type: copy number loss.
Change: copy number 1 (one copy instead of two) of chr17:43,057,052-43,057,135 (0.1 kb, GRCh38 coordinates, 1-based), cytogenetic band 17q21.31.
Other names: NM_007294.4:c.(5193+1_5194-1)_(5277+1_5278-1)del; deletion of exon 19 (legacy exon 20); in-frame, p.(His1732_Lys1759del) predicted.
Identifiers: ClinVar variation 5016488 (VCV005016488.1).